The following is an entry in ClinVar:

ClinVar aggregate classification (germline): Uncertain significance (1 of 4 stars; one submission).

Allele frequency attached by ClinVar (database versions not stated): TOPMed below 0.00001.
gnomAD v4.1: 7 of 1,614,138 alleles (0.00043%); highest among the groups gnomAD compares: African/African-American, 0.008%; 1 homozygote.

Submission:

Labcorp Genetics (formerly Invitae), Labcorp
Classification: Uncertain significance. Last evaluated: 2022-02-03. Review status: criteria provided, single submitter. Criteria: Invitae Variant Classification Sherloc (09022015). Collection method: clinical testing. Allele origin: germline.
Comment: Algorithms developed to predict the effect of missense changes on protein structure and function are either unavailable or do not agree on the potential impact of this missense change (SIFT: "Not Available"; PolyPhen-2: "Probably Damaging"; Align-GVGD: "Not Available"). In summary, the available evidence is currently insufficient to determine the role of this variant in disease. Therefore, it has been classified as a Variant of Uncertain Significance. ClinVar contains an entry for this variant (Variation ID: 956327). This sequence change replaces tyrosine, which is neutral and polar, with phenylalanine, which is neutral and non-polar, at codon 217 of the CA4 protein (p.Tyr217Phe). This variant is not present in population databases (gnomAD no frequency). This variant has not been reported in the literature in individuals affected with CA4-related conditions.

NM_000717.5(CA4):c.650A>T (p.Tyr217Phe)

Gene: CA4 (carbonic anhydrase 4; plus strand). Cytogenetic location: 17q23.1.
Variant type: single nucleotide variant.
Coding change: c.650A>T on transcript NM_000717.5 (MANE Select); coding-DNA position 650, A replaced by T.
Protein change: p.Tyr217Phe; replaces tyrosine 217 with phenylalanine.
Molecular consequence: missense variant. On other transcripts: non-coding transcript variant (1).
Genome position (GRCh38, 1-based): chr17:60,158,352, A>T. VCF-style: chr17-60158352-A-T. GRCh37 (hg19) VCF-style: chr17-58235713-A-T.
Other names: short protein forms Y217F.
Identifiers: ClinVar variation 956327 (VCV000956327.9), dbSNP rs1408607801, ClinGen allele CA400459568.